The following is an entry in ClinVar:

ClinVar aggregate classification (germline): Uncertain significance (1 of 4 stars; one submission).

Conditions:
Diamond-Blackfan anemia. Also called: Blackfan Diamond syndrome; Aregenerative anemia chronic congenital; Red cell aplasia, pure hereditary; Congenital hypoplastic anemia; Aase syndrome. Identifiers: Orphanet 124, MedGen C1260899, MeSH D029503, MONDO:0015253, HP:0004810.

Submission:

Labcorp Genetics (formerly Invitae), Labcorp
Classification: Uncertain significance for Diamond-Blackfan anemia. Last evaluated: 2017-10-11. Review status: criteria provided, single submitter. Criteria: Invitae Variant Classification Sherloc (09022015). Collection method: clinical testing. Allele origin: germline.
Comment: This variant is not present in population databases (ExAC no frequency). This sequence change replaces alanine with serine at codon 2 of the RPL11 protein (p.Ala2Ser). The alanine residue is weakly conserved and there is a moderate physicochemical difference between alanine and serine. This variant has not been reported in the literature in individuals with RPL11-related disease. In summary, the available evidence is currently insufficient to determine the role of this variant in disease. Therefore, it has been classified as a Variant of Uncertain Significance. Algorithms developed to predict the effect of missense changes on protein structure and function (SIFT, PolyPhen-2, Align-GVGD) all suggest that this variant is likely to be tolerated, but these predictions have not been confirmed by published functional studies and their clinical significance is uncertain.

NM_000975.5(RPL11):c.4G>T (p.Ala2Ser)

Genes: RPL11 (ribosomal protein L11; plus strand), LOC129929673 (ATAC-STARR-seq lymphoblastoid active region 374; plus strand). Cytogenetic location: 1p36.11.
Variant type: single nucleotide variant.
Coding change: c.4G>T on transcript NM_000975.5 (MANE Select); coding-DNA position 4, G replaced by T.
Protein change: p.Ala2Ser; replaces alanine 2 with serine.
Molecular consequence: missense variant.
Genome position (GRCh38, 1-based): chr1:23,691,827, G>T. VCF-style: chr1-23691827-G-T. GRCh37 (hg19) VCF-style: chr1-24018317-G-T.
Other names: c.4G>T, p.Ala2Ser (NM_001199802.1, LRG_1140t1); short protein forms A2S.
Identifiers: ClinVar variation 532178 (VCV000532178.9), dbSNP rs1553121574, ClinGen allele CA338991085.